The following is an entry in ClinVar:

NM_032730.5(RTN4IP1):c.806C>T (p.Pro269Leu)

Gene: RTN4IP1 (reticulon 4 interacting protein 1; minus strand). Cytogenetic location: 6q21.
Variant type: single nucleotide variant.
Coding change: c.806C>T on transcript NM_032730.5 (MANE Select); coding-DNA position 806, C replaced by T.
Protein change: p.Pro269Leu; replaces proline 269 with leucine.
Molecular consequence: missense variant.
Genome position (GRCh38, 1-based): chr6:106,592,164, G>A on the plus strand (C>T on the coding strand, the complement: RTN4IP1 is on the minus strand). VCF-style: chr6-106592164-G-A. GRCh37 (hg19) VCF-style: chr6-107040039-G-A.
Other names: c.506C>T, p.Pro169Leu (NM_001318746.1); short protein forms P169L, P269L.
Identifiers: ClinVar variation 1023071 (VCV001023071.7), dbSNP rs373250269, ClinGen allele CA3944366.

ClinVar aggregate classification (germline): Uncertain significance (1 of 4 stars; one submission).

Allele frequency attached by ClinVar (database versions not stated): gnomAD 0.00001; TOPMed 0.00001; gnomAD exomes 0.00004; ExAC 0.00006; ESP Exome Variant Server 0.00008.
gnomAD v4.1: 35 of 1,613,356 alleles (0.0022%); highest among the groups gnomAD compares: East Asian, 0.045%; no homozygotes.

Submission:

Labcorp Genetics (formerly Invitae), Labcorp
Classification: Uncertain significance. Last evaluated: 2026-01-15. Review status: criteria provided, single submitter. Criteria: Invitae Variant Classification Sherloc (09022015). Collection method: clinical testing. Allele origin: germline.
Comment: This sequence change replaces proline, which is neutral and non-polar, with leucine, which is neutral and non-polar, at codon 269 of the RTN4IP1 protein (p.Pro269Leu). This variant is present in population databases (rs373250269, gnomAD 0.03%). This variant has not been reported in the literature in individuals affected with RTN4IP1-related conditions. ClinVar contains an entry for this variant (Variation ID: 1023071). An algorithm developed to predict the effect of missense changes on protein structure and function outputs the following: PolyPhen-2: "Benign". The leucine amino acid residue is found in multiple mammalian species, which suggests that this missense change does not adversely affect protein function. In summary, the available evidence is currently insufficient to determine the role of this variant in disease. Therefore, it has been classified as a Variant of Uncertain Significance.